The following is an entry in ClinVar:

NM_006133.3(DAGLA):c.2551C>T (p.Gln851Ter)

Gene: DAGLA (diacylglycerol lipase alpha; plus strand). Cytogenetic location: 11q12.2.
Variant type: single nucleotide variant.
Coding change: c.2551C>T on transcript NM_006133.3 (MANE Select); coding-DNA position 2551, C replaced by T.
Protein change: p.Gln851Ter; replaces glutamine 851 with a stop codon.
Molecular consequence: nonsense.
Genome position (GRCh38, 1-based): chr11:61,743,911, C>T. VCF-style: chr11-61743911-C-T. GRCh37 (hg19) VCF-style: chr11-61511383-C-T.
Other names: short protein forms Q851*.
Identifiers: ClinVar variation 2662807 (VCV002662807.2), dbSNP rs2065508523, ClinGen allele CA380828633.

ClinVar aggregate classification (germline): Likely pathogenic (1 of 4 stars; one submission).

Submission:

GeneDx
Classification: Likely pathogenic. Last evaluated: 2025-08-26. Review status: criteria provided, single submitter. Criteria: GeneDx Variant Classification Process June 2021. Collection method: clinical testing. Allele origin: germline.
Comment: Not observed at significant frequency in large population cohorts (gnomAD); Nonsense variant predicted to result in protein truncation as the last 192 amino acid(s) are lost; This variant is associated with the following publications: (PMID: 35737950)